The following is an entry in ClinVar:

ClinVar aggregate classification (germline): Uncertain significance (1 of 4 stars; one submission).

Conditions:
Glycogen storage disease XV (GSD15). Also called: GLYCOGENIN DEFICIENCY; GSD XV. Identifiers: Orphanet 263297, MedGen C3150754, MONDO:0013291, OMIM 613507.
Polyglucosan body myopathy type 2. Identifiers: Orphanet 456369, MedGen C4015452, MONDO:0014526, OMIM 616199.

gnomAD v4.1: 4 of 1,613,578 alleles (0.00025%); highest among the groups gnomAD compares: Non-Finnish European, 0.00025%; no homozygotes.

Submission:

Labcorp Genetics (formerly Invitae), Labcorp
Classification: Uncertain significance for Polyglucosan body myopathy type 2; Glycogen storage disease XV. Last evaluated: 2022-04-13. Review status: criteria provided, single submitter. Criteria: Invitae Variant Classification Sherloc (09022015). Collection method: clinical testing. Allele origin: germline.
Comment: Algorithms developed to predict the effect of missense changes on protein structure and function are either unavailable or do not agree on the potential impact of this missense change (SIFT: "Deleterious"; PolyPhen-2: "Probably Damaging"; Align-GVGD: "Class C15"). This sequence change replaces threonine, which is neutral and polar, with arginine, which is basic and polar, at codon 83 of the GYG1 protein (p.Thr83Arg). This variant is present in population databases (rs267606858, gnomAD 0.004%). This variant has not been reported in the literature in individuals affected with GYG1-related conditions. In summary, the available evidence is currently insufficient to determine the role of this variant in disease. Therefore, it has been classified as a Variant of Uncertain Significance.

NM_004130.4(GYG1):c.248C>G (p.Thr83Arg)

Gene: GYG1 (glycogenin 1; plus strand). Cytogenetic location: 3q24.
Variant type: single nucleotide variant.
Coding change: c.248C>G on transcript NM_004130.4 (MANE Select); coding-DNA position 248, C replaced by G.
Protein change: p.Thr83Arg; replaces threonine 83 with arginine.
Molecular consequence: missense variant.
Genome position (GRCh38, 1-based): chr3:148,996,406, C>G. VCF-style: chr3-148996406-C-G. GRCh37 (hg19) VCF-style: chr3-148714193-C-G.
Other names: c.248C>G, p.Thr83Arg (NM_001184720.2, NM_001184721.2); short protein forms T83R.
Identifiers: ClinVar variation 1349925 (VCV001349925.8), dbSNP rs267606858, ClinGen allele CA2658497.
Genomic context (GRCh38, chr3:148,996,406, plus strand): 5'-TCTTGGACAGTGGCGATTCTGCTCATCTAACCTTAATGAAGAGGCCAGAGTTGGGTGTCA[C>G]GCTGACAAAGCTCCACTGCTGGTCGCTTACACAGTATTCAAAATGTGTATTCATGGATGC-3'
Protein context (NP_004121.2, residues 73-93): TLMKRPELGV[Thr83Arg]LTKLHCWSLT